The following is an entry in ClinVar:

NM_000492.4(CFTR):c.1209G>T (p.Glu403Asp)

Gene: CFTR (CF transmembrane conductance regulator; plus strand). Cytogenetic location: 7q31.2.
Variant type: single nucleotide variant.
Coding change: c.1209G>T on transcript NM_000492.4 (MANE Select); coding-DNA position 1209, G replaced by T.
Protein change: p.Glu403Asp; replaces glutamic acid 403 with aspartic acid.
Molecular consequence: missense variant.
Genome position (GRCh38, 1-based): chr7:117,542,108, G>T. VCF-style: chr7-117542108-G-T. GRCh37 (hg19) VCF-style: chr7-117182162-G-T.
Other names: short protein forms E403D.
Identifiers: ClinVar variation 1706040 (VCV001706040.2), dbSNP rs397508177, ClinGen allele CA368980326.
Genomic context (GRCh38, chr7:117,542,108, plus strand): 5'-GGAATATAACTTAACGACTACAGAAGTAGTGATGGAGAATGTAACAGCCTTCTGGGAGGA[G>T]GTCAGAATTTTTAAAAAATTGTTTGCTCTAAACACCTAACTGTTTTCTTCTTTGTGAATA-3'
Protein context (NP_000483.3, residues 393-413): VMENVTAFWE[Glu403Asp]GFGELFEKAK

ClinVar aggregate classification (germline): Likely pathogenic. Review status: criteria provided, single submitter (1 of 4 stars). 2 submissions from 2 submitters: Likely pathogenic (1). 1 of the submissions does not count toward it. Last evaluated 2022-09-05.

Conditions:
Cystic fibrosis (CF). Also called: MUCOVISCIDOSIS. Identifiers: Orphanet 586, MedGen C0010674, MONDO:0009061, OMIM 219700. Disease mechanism: loss of function.

Submissions (2):

Institute of Human Genetics, University of Leipzig Medical Center
Classification: Likely pathogenic for Cystic fibrosis. Last evaluated: 2022-09-05. Review status: criteria provided, single submitter. Criteria: ACMG Guidelines, 2015. Collection method: curation. Allele origin: unknown. Affected: yes. Observed: 1 variant allele.
Comment: The variant was classified in the context of a project re-classifying variants in the German Cystic Fibrosis Registry (Muko.e.V.). Criteria applied: PS1, PM2_SUP, PP3

Clinical Genetics Laboratory, Christian Medical College, Vellore
Classification: Likely pathogenic for Cystic fibrosis. Review status: no assertion criteria provided. Criteria: ACMG Guidelines, 2015. Collection method: clinical testing. Allele origin: germline. Affected: yes. Not counted in ClinVar's aggregate classification.